The following is an entry in ClinVar:

NM_000264.5(PTCH1):c.2746C>A (p.Pro916Thr)

Gene: PTCH1 (patched 1; minus strand). Cytogenetic location: 9q22.32.
Variant type: single nucleotide variant.
Coding change: c.2746C>A on transcript NM_000264.5 (MANE Select); coding-DNA position 2746, C replaced by A.
Protein change: p.Pro916Thr; replaces proline 916 with threonine.
Molecular consequence: missense variant. On other transcripts: non-coding transcript variant (1).
Genome position (GRCh38, 1-based): chr9:95,459,741, G>T on the plus strand (C>A on the coding strand, the complement: PTCH1 is on the minus strand). VCF-style: chr9-95459741-G-T. GRCh37 (hg19) VCF-style: chr9-98222023-G-T.
Other names: c.2548C>A, p.Pro850Thr (NM_001083602.3); c.2743C>A, p.Pro915Thr (NM_001083603.3); c.2293C>A, p.Pro765Thr (NM_001083604.3, NM_001083605.3, NM_001083606.3 and 1 more transcripts); c.2590C>A, p.Pro864Thr (NM_001354918.2); short protein forms P864T, P765T, P915T, P916T, P850T.
Identifiers: ClinVar variation 3311186 (VCV003311186.1).

ClinVar aggregate classification (germline): Uncertain significance (1 of 4 stars; one submission).

Conditions:
Hereditary cancer-predisposing syndrome. Also called: Neoplastic Syndromes, Hereditary; Tumor predisposition; Hereditary neoplastic syndrome; Hereditary Cancer Syndrome. Identifiers: Orphanet 140162, MedGen C0027672, MeSH D009386, MONDO:0015356.

Submission:

Ambry Genetics
Classification: Uncertain significance for Hereditary cancer-predisposing syndrome. Last evaluated: 2024-05-23. Review status: criteria provided, single submitter. Criteria: Ambry Variant Classification Scheme 2023. Collection method: clinical testing. Allele origin: germline.
Comment: The p.P916T variant (also known as c.2746C>A), located in coding exon 17 of the PTCH1 gene, results from a C to A substitution at nucleotide position 2746. The proline at codon 916 is replaced by threonine, an amino acid with highly similar properties. This amino acid position is conserved. In addition, this alteration is predicted to be deleterious by in silico analysis. Based on the available evidence, the clinical significance of this variant remains unclear.